The following is an entry in ClinVar:

ClinVar aggregate classification (germline): Uncertain significance (1 of 4 stars; one submission).

Allele frequency attached by ClinVar (database versions not stated): gnomAD exomes below 0.00001.
gnomAD v4.1: 2 of 1,614,036 alleles (0.00012%); highest among the groups gnomAD compares: East Asian, 0.0045%; no homozygotes.

Submission:

Ambry Genetics
Classification: Uncertain significance. Last evaluated: 2023-11-14. Review status: criteria provided, single submitter. Criteria: Ambry Variant Classification Scheme 2023. Collection method: clinical testing. Allele origin: germline.
Comment: The p.M2155I variant (also known as c.6465G>A), located in coding exon 12 of the ALPK2 gene, results from a G to A substitution at nucleotide position 6465. The methionine at codon 2155 is replaced by isoleucine, an amino acid with highly similar properties. This amino acid position is conserved. In addition, this alteration is predicted to be tolerated by in silico analysis. Since supporting evidence is limited at this time, the clinical significance of this alteration remains unclear.

NM_052947.4(ALPK2):c.6465G>A (p.Met2155Ile)

Gene: ALPK2 (alpha kinase 2; minus strand). Cytogenetic location: 18q21.31.
Variant type: single nucleotide variant.
Coding change: c.6465G>A on transcript NM_052947.4 (MANE Select); coding-DNA position 6465, G replaced by A.
Protein change: p.Met2155Ile; replaces methionine 2155 with isoleucine.
Molecular consequence: missense variant.
Genome position (GRCh38, 1-based): chr18:58,481,871, C>T on the plus strand (G>A on the coding strand, the complement: ALPK2 is on the minus strand). VCF-style: chr18-58481871-C-T. GRCh37 (hg19) VCF-style: chr18-56149103-C-T.
Other names: short protein forms M2155I.
Identifiers: ClinVar variation 3228863 (VCV003228863.1), dbSNP rs1349600514, ClinGen allele CA402538318.